The following is an entry in ClinVar:

ClinVar aggregate classification (germline): Uncertain significance (1 of 4 stars; one submission).

gnomAD v4.1: 25 of 1,614,026 alleles (0.0015%); highest among the groups gnomAD compares: Middle Eastern, 0.016%; no homozygotes.

Submission:

GeneDx
Classification: Uncertain significance. Last evaluated: 2024-08-02. Review status: criteria provided, single submitter. Criteria: GeneDx Variant Classification Process June 2021. Collection method: clinical testing. Allele origin: germline. Affected: yes.
Comment: Not observed at significant frequency in large population cohorts (gnomAD); In silico analysis indicates that this missense variant does not alter protein structure/function; Has not been previously published as pathogenic or benign to our knowledge

NM_000925.4(PDHB):c.424A>G (p.Ile142Val)

Gene: PDHB (pyruvate dehydrogenase E1 subunit beta; minus strand). Cytogenetic location: 3p14.3.
Variant type: single nucleotide variant.
Coding change: c.424A>G on transcript NM_000925.4 (MANE Select); coding-DNA position 424, A replaced by G.
Protein change: p.Ile142Val; replaces isoleucine 142 with valine.
Molecular consequence: missense variant. On other transcripts: non-coding transcript variant (1), intron variant (1).
Genome position (GRCh38, 1-based): chr3:58,430,822, T>C on the plus strand (A>G on the coding strand, the complement: PDHB is on the minus strand). VCF-style: chr3-58430822-T-C. GRCh37 (hg19) VCF-style: chr3-58416549-T-C.
Other names: c.370A>G, p.Ile124Val (NM_001315536.2); c.403+21A>G (NM_001173468.2); short protein forms I124V, I142V.
Identifiers: ClinVar variation 3602204 (VCV003602204.1).